The following is an entry in ClinVar:

ClinVar aggregate classification (germline): Uncertain significance. Review status: criteria provided, multiple submitters, no conflicts (2 of 4 stars). 2 submissions from 2 submitters: Uncertain significance (2). Last evaluated 2022-02-03.

Conditions:
Progressive myoclonic epilepsy. Also called: Myoclonic Epilepsies, Progressive; Myoclonus epilepsy; Familial progressive myoclonic epilepsy; Progressive myoclonus epilepsy. Identifiers: Orphanet 308, Orphanet 98261, MedGen C0751778, MONDO:0020074.
Action myoclonus-renal failure syndrome. Also called: MYOCLONUS-NEPHROPATHY SYNDROME; SCARB2-Related Action Myoclonus-Renal Failure Syndrome; EPILEPSY, PROGRESSIVE MYOCLONIC, 4, WITH RENAL FAILURE; EPILEPSY, PROGRESSIVE MYOCLONIC, 4, WITHOUT RENAL FAILURE. Identifiers: Orphanet 163696, MedGen C0751779, MeSH D020191, MONDO:0009699, OMIM 254900.

Allele frequency attached by ClinVar (database versions not stated): gnomAD exomes below 0.00001; gnomAD 0.00001; TOPMed 0.00001.
gnomAD v4.1: 6 of 1,613,908 alleles (0.00037%); highest among the groups gnomAD compares: Non-Finnish European, 0.00051%; no homozygotes.

Submissions (2):

Labcorp Genetics (formerly Invitae), Labcorp
Classification: Uncertain significance for Progressive myoclonic epilepsy. Last evaluated: 2022-02-03. Review status: criteria provided, single submitter. Criteria: Invitae Variant Classification Sherloc (09022015). Collection method: clinical testing. Allele origin: germline.
Comment: This sequence change replaces phenylalanine, which is neutral and non-polar, with leucine, which is neutral and non-polar, at codon 256 of the SCARB2 protein (p.Phe256Leu). This variant is present in population databases (no rsID available, gnomAD 0.007%). This variant has not been reported in the literature in individuals affected with SCARB2-related conditions. ClinVar contains an entry for this variant (Variation ID: 1019841). Algorithms developed to predict the effect of missense changes on protein structure and function are either unavailable or do not agree on the potential impact of this missense change (SIFT: "Deleterious"; PolyPhen-2: "Probably Damaging"; Align-GVGD: "Class C15"). In summary, the available evidence is currently insufficient to determine the role of this variant in disease. Therefore, it has been classified as a Variant of Uncertain Significance.

Fulgent Genetics
Classification: Uncertain significance for Action myoclonus-renal failure syndrome. Last evaluated: 2021-12-20. Review status: criteria provided, single submitter. Criteria: ACMG Guidelines, 2015. Collection method: clinical testing. Allele origin: unknown.

NM_005506.4(SCARB2):c.766T>C (p.Phe256Leu)

Gene: SCARB2 (scavenger receptor class B member 2; minus strand). Cytogenetic location: 4q21.1.
Variant type: single nucleotide variant.
Coding change: c.766T>C on transcript NM_005506.4 (MANE Select); coding-DNA position 766, T replaced by C.
Protein change: p.Phe256Leu; replaces phenylalanine 256 with leucine.
Molecular consequence: missense variant.
Genome position (GRCh38, 1-based): chr4:76,175,849, A>G on the plus strand (T>C on the coding strand, the complement: SCARB2 is on the minus strand). VCF-style: chr4-76175849-A-G. GRCh37 (hg19) VCF-style: chr4-77097002-A-G.
Other names: c.337T>C, p.Phe113Leu (NM_001204255.2); short protein forms F113L, F256L.
Identifiers: ClinVar variation 1019841 (VCV001019841.7), dbSNP rs1241257632, ClinGen allele CA357316271.